The following is an entry in ClinVar:

NM_006389.5(HYOU1):c.2207G>A (p.Arg736Gln)

Gene: HYOU1 (hypoxia up-regulated 1; minus strand). Cytogenetic location: 11q23.3.
Variant type: single nucleotide variant.
Coding change: c.2207G>A on transcript NM_006389.5 (MANE Select); coding-DNA position 2207, G replaced by A.
Protein change: p.Arg736Gln; replaces arginine 736 with glutamine.
Molecular consequence: missense variant.
Genome position (GRCh38, 1-based): chr11:119,048,522, C>T on the plus strand (G>A on the coding strand, the complement: HYOU1 is on the minus strand). VCF-style: chr11-119048522-C-T. GRCh37 (hg19) VCF-style: chr11-118919234-C-T.
Other names: c.2207G>A (NM_006389.3); c.2207G>A, p.Arg736Gln (NM_001130991.3); short protein forms R736Q.
Identifiers: ClinVar variation 1439594 (VCV001439594.8), dbSNP rs782316888, ClinGen allele CA229618930.

ClinVar aggregate classification (germline): Uncertain significance. Review status: criteria provided, multiple submitters, no conflicts (2 of 4 stars). 3 submissions from 3 submitters: Uncertain significance (3). Last evaluated 2024-10-23.

Allele frequency attached by ClinVar (database versions not stated): gnomAD exomes 0.00002; gnomAD 0.00005; TOPMed 0.00008.
gnomAD v4.1: 39 of 1,613,912 alleles (0.0024%); highest among the groups gnomAD compares: Middle Eastern, 0.016%; no homozygotes.

Submissions (3):

Labcorp Genetics (formerly Invitae), Labcorp
Classification: Uncertain significance. Last evaluated: 2024-10-23. Review status: criteria provided, single submitter. Criteria: Invitae Variant Classification Sherloc (09022015). Collection method: clinical testing. Allele origin: germline.
Comment: This sequence change replaces arginine, which is basic and polar, with glutamine, which is neutral and polar, at codon 736 of the HYOU1 protein (p.Arg736Gln). The frequency data for this variant in the population databases is considered unreliable, as metrics indicate poor data quality at this position in the gnomAD database. This variant has not been reported in the literature in individuals affected with HYOU1-related conditions. ClinVar contains an entry for this variant (Variation ID: 1439594). Experimental studies and prediction algorithms are not available or were not evaluated, and the functional significance of this variant is currently unknown. In summary, the available evidence is currently insufficient to determine the role of this variant in disease. Therefore, it has been classified as a Variant of Uncertain Significance.

Ambry Genetics
Classification: Uncertain significance. Last evaluated: 2024-09-25. Review status: criteria provided, single submitter. Criteria: Ambry Variant Classification Scheme 2023. Collection method: clinical testing. Allele origin: germline.

Blueprint Genetics
Classification: Uncertain significance. Last evaluated: 2022-05-04. Review status: criteria provided, single submitter. Criteria: ACMG Guidelines, 2015. Collection method: clinical testing. Allele origin: germline.